The following is an entry in ClinVar:

NM_005918.4(MDH2):c.375C>T (p.Thr125=)

Gene: MDH2 (malate dehydrogenase 2; plus strand). Cytogenetic location: 7q11.23.
Variant type: single nucleotide variant.
Coding change: c.375C>T on transcript NM_005918.4 (MANE Select); coding-DNA position 375, C replaced by T.
Protein change: p.Thr125=; no amino-acid change (threonine 125 retained).
Molecular consequence: synonymous variant.
Genome position (GRCh38, 1-based): chr7:76,058,024, C>T. VCF-style: chr7-76058024-C-T. GRCh37 (hg19) VCF-style: chr7-75687342-C-T.
Other names: c.375C>T, p.Thr125= (NM_001282403.2); c.54C>T, p.Thr18= (NM_001282404.2).
Identifiers: ClinVar variation 1533416 (VCV001533416.32), dbSNP rs782365031, ClinGen allele CA4305512.

ClinVar aggregate classification (germline): Likely benign. Review status: criteria provided, multiple submitters, no conflicts (2 of 4 stars). 3 submissions from 3 submitters: Likely benign (3). Last evaluated 2024-06-11.

Conditions:
Inborn genetic diseases. Identifiers: MedGen C0950123, MeSH D030342.

Allele frequency attached by ClinVar (database versions not stated): gnomAD 0.00001; ExAC 0.00007.
gnomAD v4.1: 32 of 1,613,878 alleles (0.002%); highest among the groups gnomAD compares: East Asian, 0.018%; no homozygotes.

Submissions (3):

Labcorp Genetics (formerly Invitae), Labcorp
Classification: Likely benign. Last evaluated: 2024-06-11. Review status: criteria provided, single submitter. Criteria: Invitae Variant Classification Sherloc (09022015). Collection method: clinical testing. Allele origin: germline.

CeGaT Center for Human Genetics Tuebingen
Classification: Likely benign. Last evaluated: 2024-01-01. Review status: criteria provided, single submitter. Criteria: CeGaT Center For Human Genetics Tuebingen Variant Classification Criteria Version 2. Collection method: clinical testing. Allele origin: germline. Affected: yes. Observed: 1 variant allele.
Comment: MDH2: BP4, BP7

Ambry Genetics
Classification: Likely benign for Inborn genetic diseases. Last evaluated: 2022-03-29. Review status: criteria provided, single submitter. Criteria: Ambry Variant Classification Scheme 2023. Collection method: clinical testing. Allele origin: germline.